The following is an entry in ClinVar:

NM_001009999.3(KDM1A):c.541G>A (p.Asp181Asn)

Gene: KDM1A (lysine demethylase 1A; plus strand). Cytogenetic location: 1p36.12.
Variant type: single nucleotide variant.
Coding change: c.541G>A on transcript NM_001009999.3 (MANE Select); coding-DNA position 541, G replaced by A.
Protein change: p.Asp181Asn; replaces aspartic acid 181 with asparagine.
Molecular consequence: missense variant. On other transcripts: intron variant (2).
Genome position (GRCh38, 1-based): chr1:23,044,450, G>A. VCF-style: chr1-23044450-G-A. GRCh37 (hg19) VCF-style: chr1-23370943-G-A.
Other names: c.541G>A, p.Asp181Asn (NM_001410762.1); c.518-5937G>A (NM_001363654.2, NM_015013.4); c.541G>A (NM_001009999.2); short protein forms D181N.
Identifiers: ClinVar variation 2069372 (VCV002069372.5), dbSNP rs370820052, ClinGen allele CA679484.

ClinVar aggregate classification (germline): Uncertain significance. Review status: criteria provided, multiple submitters, no conflicts (2 of 4 stars). 2 submissions from 2 submitters: Uncertain significance (2). Last evaluated 2025-10-26.

Conditions:
KDM1A-related disorder. Also called: KDM1A-related condition.

Allele frequency attached by ClinVar (database versions not stated): ESP Exome Variant Server 0.00010.
gnomAD v4.1: 69 of 1,612,986 alleles (0.0043%); highest among the groups gnomAD compares: Non-Finnish European, 0.0057%; no homozygotes.

Submissions (2):

PreventionGenetics, part of Exact Sciences
Classification: Uncertain significance for KDM1A-related condition. Last evaluated: 2025-10-26. Review status: criteria provided, single submitter. Criteria: ACMG Guidelines, 2015. Collection method: clinical testing. Allele origin: germline.
Comment: The KDM1A c.541G>A variant is predicted to result in the amino acid substitution p.Asp181Asn. To our knowledge, this variant has not been reported in the literature. This variant is reported in 0.0055% of alleles in individuals of European (Non-Finnish) descent in gnomAD. At this time, the clinical significance of this variant is uncertain due to the absence of conclusive functional and genetic evidence.

Labcorp Genetics (formerly Invitae), Labcorp
Classification: Uncertain significance. Last evaluated: 2025-08-11. Review status: criteria provided, single submitter. Criteria: Invitae Variant Classification Sherloc (09022015). Collection method: clinical testing. Allele origin: germline.
Comment: This sequence change replaces aspartic acid, which is acidic and polar, with asparagine, which is neutral and polar, at codon 181 of the KDM1A protein (p.Asp181Asn). This variant is present in population databases (rs370820052, gnomAD 0.005%). This variant has not been reported in the literature in individuals affected with KDM1A-related conditions. ClinVar contains an entry for this variant (Variation ID: 2069372). An algorithm developed to predict the effect of missense changes on protein structure and function (PolyPhen-2) suggests that this variant is likely to be tolerated. In summary, the available evidence is currently insufficient to determine the role of this variant in disease. Therefore, it has been classified as a Variant of Uncertain Significance.